The following is an entry in ClinVar:

ClinVar aggregate classification (germline): Benign (1 of 4 stars; one submission).

Allele frequency attached by ClinVar (database versions not stated): gnomAD 0.07906 and 0.08480; TOPMed 0.08940; 1000 Genomes Project 0.09026; 1000 Genomes Project 30x 0.09728.
gnomAD v4.1: 11,903 of 152,020 alleles (7.8%); highest among the groups gnomAD compares: African/African-American, 27%; 1,543 homozygotes.

Submission:

GeneDx
Classification: Benign. Last evaluated: 2018-06-16. Review status: criteria provided, single submitter. Criteria: GeneDx Variant Classification (06012015). Collection method: clinical testing. Allele origin: germline. Affected: yes.
Comment: This variant is considered likely benign or benign based on one or more of the following criteria: it is a conservative change, it occurs at a poorly conserved position in the protein, it is predicted to be benign by multiple in silico algorithms, and/or has population frequency not consistent with disease.

NM_201384.3(PLEC):c.436-163A>G

Gene: PLEC (plectin; minus strand). Cytogenetic location: 8q24.3.
Variant type: single nucleotide variant.
Coding change: c.436-163A>G on transcript NM_201384.3 (MANE Select); 163 bases into the intron before coding-DNA position 436, A replaced by G.
Molecular consequence: intron variant.
Genome position (GRCh38, 1-based): chr8:143,936,177, T>C on the plus strand (A>G on the coding strand, the complement: PLEC is on the minus strand). VCF-style: chr8-143936177-T-C. GRCh37 (hg19) VCF-style: chr8-145010345-T-C.
Other names: c.517-163A>G (NM_000445.5); c.394-163A>G (NM_201378.4); c.370-163A>G (NM_201379.3); c.847-163A>G (NM_201380.4); c.340-163A>G (NM_201381.3); c.436-163A>G (NM_201382.4); c.448-163A>G (NM_201383.3).
Identifiers: ClinVar variation 673017 (VCV000673017.1), dbSNP rs58905421, ClinGen allele CA12909489.
Genomic context (GRCh38, chr8:143,936,177, plus strand): 5'-GGAGTGCATGGGGCCACCAAACCAGCCAGGGCAGCACCGGGCTCCAGGGCCCTTCCCTGT[T>C]GGGAAGCTGCTGGGACTGGCCATGCCTCGGGGCCACAAGTCCAGCCACTCCAGCCGGTGG-3'